The following is an entry in ClinVar:

NM_001613.4(ACTA2):c.593G>A (p.Arg198His)

Gene: ACTA2 (actin alpha 2, smooth muscle; minus strand). Cytogenetic location: 10q23.31.
Variant type: single nucleotide variant.
Coding change: c.593G>A on transcript NM_001613.4 (MANE Select); coding-DNA position 593, G replaced by A.
Protein change: p.Arg198His; replaces arginine 198 with histidine.
Molecular consequence: missense variant.
Genome position (GRCh38, 1-based): chr10:88,941,252, C>T on the plus strand (G>A on the coding strand, the complement: ACTA2 is on the minus strand). VCF-style: chr10-88941252-C-T. GRCh37 (hg19) VCF-style: chr10-90701009-C-T.
Other names: c.464G>A, p.Arg155His (NM_001406469.1, NM_001406467.1, NM_001406468.1); c.593G>A, p.Arg198His (NM_001406471.1, NM_001141945.3, NM_001320855.2 and 3 more transcripts); c.482G>A, p.Arg161His (NM_001406466.1); short protein forms R198H, R161H, R155H.
Identifiers: ClinVar variation 264311 (VCV000264311.22), dbSNP rs746972765, ClinGen allele CA10587711.

ClinVar aggregate classification (germline): Pathogenic/Likely pathogenic. Review status: criteria provided, multiple submitters, no conflicts (2 of 4 stars). 6 submissions from 6 submitters: Pathogenic (1); Likely pathogenic (4). 1 of the submissions does not count toward it. Last evaluated 2023-09-01.

Conditions:
Multisystemic smooth muscle dysfunction syndrome (SMDYS). Also called: SMOOTH MUSCLE DYSFUNCTION SYNDROME; MYDRIASIS, CONGENITAL, WITH PATENT DUCTUS ARTERIOSUS, THORACIC AORTIC ANEURYSM, AND VASCULOPATHY. Identifiers: Orphanet 404463, MedGen C3151201, MONDO:0013452, OMIM 613834.
Moyamoya disease 5 (MYMY5). Identifiers: Orphanet 2573, MedGen C3279690, MONDO:0013542, OMIM 614042.
Aortic aneurysm, familial thoracic 6 (AAT6). Also called: FAMILIAL THORACIC AORTIC ANEURYSM WITH LIVEDO RETICULARIS AND IRIS FLOCCULI. Identifiers: MedGen C2673186, MONDO:0012730, OMIM 611788.
Familial thoracic aortic aneurysm and aortic dissection (TAAD). Also called: Thoracic aortic aneurysms and dissections. Identifiers: Orphanet 91387, MedGen C4707243, MONDO:0019625.

Submissions (6):

Labcorp Genetics (formerly Invitae), Labcorp
Classification: Pathogenic for Aortic aneurysm, familial thoracic 6. Last evaluated: 2023-09-01. Review status: criteria provided, single submitter. Criteria: Invitae Variant Classification Sherloc (09022015). Collection method: clinical testing. Allele origin: germline.
Comment: For these reasons, this variant has been classified as Pathogenic. This variant disrupts the p.Arg198 amino acid residue in ACTA2. Other variant(s) that disrupt this residue have been determined to be pathogenic (PMID: 25759435; Invitae). This suggests that this residue is clinically significant, and that variants that disrupt this residue are likely to be disease-causing. Advanced modeling of protein sequence and biophysical properties (such as structural, functional, and spatial information, amino acid conservation, physicochemical variation, residue mobility, and thermodynamic stability) performed at Invitae indicates that this missense variant is not expected to disrupt ACTA2 protein function. ClinVar contains an entry for this variant (Variation ID: 264311). This missense change has been observed in individuals with aneurysm and/or dissection (PMID: 25759435; Invitae). This variant is not present in population databases (gnomAD no frequency). This sequence change replaces arginine, which is basic and polar, with histidine, which is basic and polar, at codon 198 of the ACTA2 protein (p.Arg198His).

Color Diagnostics, LLC DBA Color Health
Classification: Likely pathogenic for Familial thoracic aortic aneurysm and aortic dissection. Last evaluated: 2020-03-11. Review status: criteria provided, single submitter. Criteria: ACMG Guidelines, 2015. Collection method: clinical testing. Allele origin: germline.
Comment: This missense variant replaces arginine with histidine at codon 198 of the ACTA2 protein. Computational prediction suggests that this variant may have deleterious impact on protein structure and function (internally defined REVEL score threshold >= 0.7, PMID: 27666373). To our knowledge, functional studies have not been reported for this variant. This variant has been reported in multiple individuals affected with and/or having family history of aortic dissections or aneurysms (PMID: 25759435 and Color internal data). A different variant at this position (p.Arg198Cys) has also been observed in individuals affected with aortic events (PMID: 25759435). This variant has not been identified in the general population by the Genome Aggregation Database (gnomAD). Although additional studies are required to fully establish its clinical significance, this variant is classified as Likely Pathogenic based on the available evidence.

Laboratory for Molecular Medicine, Mass General Brigham Personalized Medicine
Classification: Likely pathogenic for Familial thoracic aortic aneurysm and aortic dissection. Last evaluated: 2019-08-13. Review status: criteria provided, single submitter. Criteria: ACMG Guidelines, 2015. Collection method: clinical testing. Allele origin: germline. Inheritance: Autosomal dominant inheritance.
Comment: The p.Arg198His variant in ACTA2 has been reported in at least 6 individuals with aortic aneurysms or dissections and segregated with disease in 5 affected family members (Regalado 2015; Color Genomics personal communication). It was absent from large population studies. This variant has also been reported in ClinVar (Variation ID 264311). Additionally, a different variant at this codon (p.Arg198Cys) has been reported in 2 individuals with aortic aneurysms or dissections (Regalado 2015). Computational prediction tools and conservation analysis suggest that the p.Arg198His variant may impact the protein, though this information is not predictive enough to determine pathogenicity. In summary, although additional studies are required to fully establish its clinical significance, this variant meets criteria to be classified as likely pathogenic for autosomal dominant familial thoracic aortic aneurysm and dissection (FTAAD). ACMG/AMP criteria applied: PM2, PS4_Moderate, PP1_Moderate, PP3.

Ambry Genetics
Classification: Likely pathogenic for Familial thoracic aortic aneurysm and aortic dissection. Last evaluated: 2019-02-19. Review status: criteria provided, single submitter. Criteria: Ambry Variant Classification Scheme 2023. Collection method: clinical testing. Allele origin: germline.
Comment: The p.R198H variant (also known as c.593G>A), located in coding exon 5 of the ACTA2 gene, results from a G to A substitution at nucleotide position 593. The arginine at codon 198 is replaced by histidine, an amino acid with highly similar properties. In one family, this variant was described in three heterozygous individuals, two of whom were reported to have had aortic dissection and/or surgical repair of aortic aneurysm (Regalado ES et al, Circ Cardiovasc Genet 2015 Jun; 8(3):457-64). In the same study, an alteration affecting the same codon (c.592C>T p.R198C) was described in two unrelated heterozygous individuals, both of whom had dissection and/or surgical repair of aortic aneurysm. This amino acid position is highly conserved in available vertebrate species. In addition, this alteration is predicted to be deleterious by in silico analysis. Based on the majority of available evidence to date, this variant is likely to be pathogenic.

Juno Genomics, Hangzhou Juno Genomics, Inc
Classification: Likely pathogenic for Multisystemic smooth muscle dysfunction syndrome; Aortic aneurysm, familial thoracic 6; Moyamoya disease 5. Review status: criteria provided, single submitter. Criteria: ACMG Guidelines, 2015. Collection method: clinical testing. Allele origin: germline.
Comment: Absent from controls (or at extremely low frequency if recessive) in Genome Aggregation Database.;Multiple lines of computational evidence support a deleterious effect on the gene or gene product.;Missense variant in a gene that has a low rate of benign missense variation.;Patient's phenotype or family history is highly specific for a disease with a single genetic etiology.;Co-segregation with disease in multiple affected family members.

AiLife Diagnostics
Classification: Uncertain significance. Last evaluated: 2021-12-16. Review status: flagged submission. Criteria: ACMG Guidelines, 2015. Collection method: clinical testing. Allele origin: germline. Affected: yes. Observed: 1 variant allele. Not counted in ClinVar's aggregate classification.
ClinVar note: Reason: Outlier claim with insufficient supporting evidence

Literature cited by the submitters: PubMed 25759435 (cited by 4 submitters).